The following is an entry in ClinVar:

NM_001035.3(RYR2):c.14598T>C (p.Ile4866=)

Gene: RYR2 (ryanodine receptor 2; plus strand). Cytogenetic location: 1q43.
Variant type: single nucleotide variant.
Coding change: c.14598T>C on transcript NM_001035.3 (MANE Select); coding-DNA position 14598, T replaced by C.
Protein change: p.Ile4866=; no amino-acid change (isoleucine 4866 retained).
Molecular consequence: synonymous variant.
Genome position (GRCh38, 1-based): chr1:237,828,388, T>C. VCF-style: chr1-237828388-T-C. GRCh37 (hg19) VCF-style: chr1-237991688-T-C.
Identifiers: ClinVar variation 3385883 (VCV003385883.3).

ClinVar aggregate classification (germline): Likely benign. Review status: criteria provided, multiple submitters, no conflicts (2 of 4 stars). 3 submissions from 3 submitters: Likely benign (3). Last evaluated 2025-09-22.

Conditions:
Catecholaminergic polymorphic ventricular tachycardia (CVPT). Also called: Catecholamine-induced polymorphic ventricular tachycardia. Identifiers: Orphanet 3286, MedGen C5574922, MONDO:0017990.
Catecholaminergic polymorphic ventricular tachycardia 1. Also called: VENTRICULAR TACHYCARDIA, CATECHOLAMINERGIC POLYMORPHIC, 1, WITH OR WITHOUT ATRIAL DYSFUNCTION AND/OR DILATED CARDIOMYOPATHY; VENTRICULAR TACHYCARDIA, STRESS-INDUCED POLYMORPHIC 1; RYR2-Related Catecholaminergic Polymorphic Ventricular Tachycardia. Identifiers: Orphanet 3286, MedGen C1631597, MONDO:0011484, OMIM 604772.
Cardiomyopathy (CMYO). Also called: Cardiomyopathies. Identifiers: Orphanet 167848, MedGen C0878544, MONDO:0004994, HP:0001638. Inheritance: Various modes of inheritance.

Submissions (3):

Labcorp Genetics (formerly Invitae), Labcorp
Classification: Likely benign for Catecholaminergic polymorphic ventricular tachycardia 1. Last evaluated: 2025-09-22. Review status: criteria provided, single submitter. Criteria: Invitae Variant Classification Sherloc (09022015). Collection method: clinical testing. Allele origin: germline.

All of Us Research Program, National Institutes of Health
Classification: Likely benign for Catecholaminergic polymorphic ventricular tachycardia. Last evaluated: 2024-06-09. Review status: criteria provided, single submitter. Criteria: ACMG Guidelines, 2015. Collection method: clinical testing. Allele origin: germline. Inheritance: Autosomal dominant inheritance. Observed: 1 variant allele, 1 heterozygote.
Comment: This study involves interpretation of variants in research participants for the purpose of population health screening. Participant phenotype was not available at the time of variant classification. Additional details can be found in publication PMID: 35346344, PMCID: PMC8962531

Color Diagnostics, LLC DBA Color Health
Classification: Likely benign for Cardiomyopathy. Last evaluated: 2024-04-03. Review status: criteria provided, single submitter. Criteria: ACMG Guidelines, 2015. Collection method: clinical testing. Allele origin: germline.